The following is an entry in ClinVar:

ClinVar aggregate classification (germline): Uncertain significance (1 of 4 stars; one submission).

Allele frequency attached by ClinVar (database versions not stated): TOPMed 0.00001; gnomAD 0.00001; ExAC 0.00002.
gnomAD v4.1: 16 of 1,585,090 alleles (0.001%); highest among the groups gnomAD compares: East Asian, 0.0023%; no homozygotes.

Submission:

Labcorp Genetics (formerly Invitae), Labcorp
Classification: Uncertain significance. Last evaluated: 2022-07-17. Review status: criteria provided, single submitter. Criteria: Invitae Variant Classification Sherloc (09022015). Collection method: clinical testing. Allele origin: germline.
Comment: In summary, the available evidence is currently insufficient to determine the role of this variant in disease. Therefore, it has been classified as a Variant of Uncertain Significance. Algorithms developed to predict the effect of missense changes on protein structure and function are either unavailable or do not agree on the potential impact of this missense change (SIFT: "Tolerated"; PolyPhen-2: "Possibly Damaging"; Align-GVGD: "Class C0"). This variant has not been reported in the literature in individuals affected with RAI1-related conditions. The frequency data for this variant in the population databases is considered unreliable, as metrics indicate poor data quality at this position in the gnomAD database. This sequence change replaces cysteine, which is neutral and slightly polar, with tyrosine, which is neutral and polar, at codon 845 of the RAI1 protein (p.Cys845Tyr).

NM_030665.4(RAI1):c.2534G>A (p.Cys845Tyr)

Gene: RAI1 (retinoic acid induced 1; plus strand). Cytogenetic location: 17p11.2.
Variant type: single nucleotide variant.
Coding change: c.2534G>A on transcript NM_030665.4 (MANE Select); coding-DNA position 2534, G replaced by A.
Protein change: p.Cys845Tyr; replaces cysteine 845 with tyrosine.
Molecular consequence: missense variant.
Genome position (GRCh38, 1-based): chr17:17,795,482, G>A. VCF-style: chr17-17795482-G-A. GRCh37 (hg19) VCF-style: chr17-17698796-G-A.
Other names: short protein forms C845Y.
Identifiers: ClinVar variation 2053708 (VCV002053708.4), dbSNP rs770565337, ClinGen allele CA8418558.